The following is an entry in ClinVar:

NM_001039958.2(MESP2):c.280_299del (p.Met94fs)

Genes: MESP2 (mesoderm posterior bHLH transcription factor 2; plus strand), LOC130057891 (ATAC-STARR-seq lymphoblastoid silent region 6806; plus strand). Cytogenetic location: 15q26.1.
Variant type: Deletion.
Coding change: c.280_299del on transcript NM_001039958.2 (MANE Select); coding-DNA positions 280 to 299, 20 bases deleted (ATGCGCACGCTGGCCCGCGC).
Protein change: p.Met94fs; shifts the reading frame from methionine 94.
Molecular consequence: frameshift variant.
Genome position (GRCh38, 1-based): chr15:89,776,637-89,776,656, ATGCGCACGCTGGCCCGCGC deleted; deleting any 20 consecutive bases within chr15:89,776,633-89,776,656 gives the same sequence; the c. name uses the placement nearest the transcript's 3' end. VCF-style (leftmost placement, unchanged base first): chr15-89776632-TGCGCATGCGCACGCTGGCCC-T. GRCh37 (hg19) VCF-style: chr15-90319863-TGCGCATGCGCACGCTGGCCC-T.
Other names: short protein forms M94fs.
Identifiers: ClinVar variation 4814564 (VCV004814564.1).

ClinVar aggregate classification (germline): Likely pathogenic (1 of 4 stars; one submission).

Conditions:
Spondylocostal dysostosis 2, autosomal recessive (SCDO2). Also called: MESP2-Related Spondylocostal Dysostosis, Autosomal Recessive; Spondylocostal dysostosis type 2. Identifiers: Orphanet 2311, MedGen C1837549, MONDO:0012097, OMIM 608681.

Submission:

Natera, Inc.
Classification: Likely pathogenic for Spondylocostal dysostosis type 2. Last evaluated: 2024-06-03. Review status: criteria provided, single submitter. Criteria: Natera Variant Classification Schema (03/2026). Collection method: clinical testing. Allele origin: germline.
Comment: The c.280_299del variant in MESP2 is a frameshift variant predicted to shift the reading frame beginning at codon 94 and leads to a stop codon 266 codons downstream. This variant is expected to result in nonsense mediated decay, truncation, or a dysfunctional protein product. This variant is rare in the general population with a frequency below the threshold expected for the associated phenotype(s). Given the available evidence, this variant is classified as Likely Pathogenic.